The following is an entry in ClinVar:

ClinVar aggregate classification (germline): Conflicting classifications of pathogenicity. Review status: criteria provided, conflicting classifications (1 of 4 stars). 4 submissions from 4 submitters: Uncertain significance (2); Benign (2). Last evaluated 2025-02-20.

Conditions:
Collagen 6-related myopathy. Identifiers: MedGen CN117976, MONDO:0100225.
Bethlem myopathy 1A. Also called: Bethlem Muscular Dystrophy; MYOPATHY, BENIGN CONGENITAL, WITH CONTRACTURES; Bethlem myopathy 1. Identifiers: Orphanet 610, MedGen CN029274, MONDO:0024530, OMIM 158810.

Allele frequency attached by ClinVar (database versions not stated): TOPMed 0.00002; gnomAD exomes 0.00004 and 0.00010; gnomAD 0.00006 and 0.00008; ExAC 0.00013; 1000 Genomes Project 30x 0.00047; 1000 Genomes Project 0.00060.
gnomAD v4.1: 78 of 1,613,878 alleles (0.0048%); highest among the groups gnomAD compares: East Asian, 0.025%; no homozygotes.

Submissions (4):

Labcorp Genetics (formerly Invitae), Labcorp
Classification: Benign for Bethlem myopathy 1A. Last evaluated: 2025-02-20. Review status: criteria provided, single submitter. Criteria: Invitae Variant Classification Sherloc (09022015). Collection method: clinical testing. Allele origin: germline.

Revvity Omics, Revvity
Classification: Uncertain significance. Last evaluated: 2021-07-30. Review status: criteria provided, single submitter. Criteria: ACMG Guidelines, 2015. Collection method: clinical testing. Allele origin: germline.

Illumina Laboratory Services, Illumina
Classification: Benign for Collagen VI-related myopathy. Last evaluated: 2018-01-13. Review status: criteria provided, single submitter. Criteria: ICSL Variant Classification Criteria 13 December 2019. Collection method: clinical testing. Allele origin: germline.
Comment: This variant was observed in the ICSL laboratory as part of a predisposition screen in an ostensibly healthy population. It had not been previously curated by ICSL or reported in the Human Gene Mutation Database (HGMD: prior to June 1st, 2018), and was therefore a candidate for classification through an automated scoring system. Utilizing variant allele frequency, disease prevalence and penetrance estimates, and inheritance mode, an automated score was calculated to assess if this variant is too frequent to cause the disease. Based on the score and internal cut-off values, a variant classified as benign is not then subjected to further curation. The score for this variant resulted in a classification of benign for this disease.

Eurofins Ntd Llc (ga)
Classification: Uncertain significance. Last evaluated: 2016-06-02. Review status: criteria provided, single submitter. Criteria: EGL Classification Definitions 2015. Collection method: clinical testing. Allele origin: germline. Observed: 1 variant allele, 1 heterozygote.

NM_004369.4(COL6A3):c.1208C>T (p.Pro403Leu)

Gene: COL6A3 (collagen type VI alpha 3 chain; minus strand). Cytogenetic location: 2q37.3.
Variant type: single nucleotide variant.
Coding change: c.1208C>T on transcript NM_004369.4 (MANE Select); coding-DNA position 1208, C replaced by T.
Protein change: p.Pro403Leu; replaces proline 403 with leucine.
Molecular consequence: missense variant. On other transcripts: intron variant (2).
Genome position (GRCh38, 1-based): chr2:237,387,686, G>A on the plus strand (C>T on the coding strand, the complement: COL6A3 is on the minus strand). VCF-style: chr2-237387686-G-A. GRCh37 (hg19) VCF-style: chr2-238296329-G-A.
Other names: c.590C>T, p.Pro197Leu (NM_057165.5, NM_057167.4); c.92-6187C>T (NM_057166.5, NM_057164.5); short protein forms P403L, P197L.
Identifiers: ClinVar variation 288401 (VCV000288401.14), dbSNP rs547651808, ClinGen allele CA2189684.
Genomic context (GRCh38, chr2:237,387,686, plus strand): 5'-GCCACGCCAACAATGTACGGCAGTAATTTCTCCTGGAGGTCCCCAAAGCTACGGAATTCC[G>A]GGACAGTAAACACCAAGTTGTCATCGGTAGCTATGTGCTGAAGCTCTGCCCTGGAGGCGG-3'
Protein context (NP_004360.2, residues 393-413): ATDDNLVFTV[Pro403Leu]EFRSFGDLQE